The following is an entry in ClinVar:

NM_206937.2(LIG4):c.2356G>A (p.Glu786Lys)

Gene: LIG4 (DNA ligase 4; minus strand). Cytogenetic location: 13q33.3.
Variant type: single nucleotide variant.
Coding change: c.2356G>A on transcript NM_206937.2 (MANE Select); coding-DNA position 2356, G replaced by A.
Protein change: p.Glu786Lys; replaces glutamic acid 786 with lysine.
Molecular consequence: missense variant.
Genome position (GRCh38, 1-based): chr13:108,208,913, C>T on the plus strand (G>A on the coding strand, the complement: LIG4 is on the minus strand). VCF-style: chr13-108208913-C-T. GRCh37 (hg19) VCF-style: chr13-108861261-C-T.
Other names: c.2392G>A, p.Glu798Lys (NM_001352604.2); c.2356G>A, p.Glu786Lys (NM_001098268.2, NM_001352598.2, NM_001352599.2 and 6 more transcripts); c.2155G>A, p.Glu719Lys (NM_001330595.2); short protein forms E786K, E719K, E798K.
Identifiers: ClinVar variation 626131 (VCV000626131.4), dbSNP rs200756045, ClinGen allele CA7043519.

ClinVar aggregate classification (germline): Uncertain significance. Review status: criteria provided, multiple submitters, no conflicts (2 of 4 stars). 3 submissions from 2 submitters: Uncertain significance (3). Last evaluated 2022-12-13.

Conditions:
DNA ligase IV deficiency. Identifiers: Orphanet 99812, MedGen C1847827, MONDO:0011686, OMIM 606593.
Multiple myeloma (MM). Also called: Plasma cell myeloma; Multiple myeloma, somatic. Identifiers: Orphanet 29073, Orphanet 85443, MedGen C0026764, MeSH D009101, MONDO:0009693, OMIM 254500, HP:0006775.

Allele frequency attached by ClinVar (database versions not stated): gnomAD exomes below 0.00001; ExAC 0.00001; TOPMed 0.00006; ESP Exome Variant Server 0.00015.
gnomAD v4.1: 10 of 1,613,986 alleles (0.00062%); highest among the groups gnomAD compares: African/African-American, 0.004%; no homozygotes.

Submissions (3):

GeneDx
Classification: Uncertain significance. Last evaluated: 2022-12-13. Review status: criteria provided, single submitter. Criteria: GeneDx Variant Classification Process June 2021. Collection method: clinical testing. Allele origin: germline. Affected: yes.
Comment: Not observed at significant frequency in large population cohorts (gnomAD); In silico analysis supports that this missense variant does not alter protein structure/function; Has not been previously published as pathogenic or benign to our knowledge

Center for Genomics, Ann and Robert H. Lurie Children's Hospital of Chicago
Classification: Uncertain significance for DNA ligase IV deficiency. Last evaluated: 2017-10-10. Review status: criteria provided, single submitter. Criteria: ACMG Guidelines, 2015. Collection method: clinical testing. Allele origin: germline.
Comment: LIG4 NM_002312.3 exon 2 p.Glu786Lys (c.2356G>A): This variant has not been reported in the literature but is present in 1/15302 African alleles in the Genome Aggregation Database. This variant amino acid Lysine (Lys) is present in >10 species and is not well conserved among evolutionarily distant species; this suggests that this variant may not impact the protein. Additional computational prediction tools do not suggest an impact. In summary, data on this variant is insufficient for disease classification. Therefore, the clinical significance of this variant is uncertain.

Center for Genomics, Ann and Robert H. Lurie Children's Hospital of Chicago
Classification: Uncertain significance for DNA ligase IV deficiency; Multiple myeloma. Review status: criteria provided, single submitter. Criteria: ACMG Guidelines, 2015. Collection method: clinical testing. Allele origin: germline.
Comment: LIG4 NM_002312 exon 2 p.Glu786Lys (c.2356G>A): This variant has not been reported in the literature but is present in 1/15302 African alleles in the Genome Aggregation Database. This variant amino acid Lysine (Lys) is present in >10 species and is not well conserved among evolutionarily distant species; this suggests that this variant may not impact the protein. Additional computational prediction tools do not suggest an impact. In summary, data on this variant is insufficient for disease classification. Therefore, the clinical significance of this variant is uncertain.